The following is an entry in ClinVar:

NM_001379200.1(TBX1):c.706G>A (p.Gly236Ser)

Gene: TBX1 (T-box transcription factor 1; plus strand). Cytogenetic location: 22q11.21.
Variant type: single nucleotide variant.
Coding change: c.706G>A on transcript NM_001379200.1 (MANE Select); coding-DNA position 706, G replaced by A.
Protein change: p.Gly236Ser; replaces glycine 236 with serine.
Molecular consequence: missense variant.
Genome position (GRCh38, 1-based): chr22:19,764,321, G>A. VCF-style: chr22-19764321-G-A. GRCh37 (hg19) VCF-style: chr22-19751844-G-A.
Other names: c.679G>A, p.Gly227Ser (NM_005992.1, NM_080646.2, NM_080647.1); short protein forms G236S, G227S.
Identifiers: ClinVar variation 1450942 (VCV001450942.7), dbSNP rs1294894854, ClinGen allele CA410683183.
Genomic context (GRCh38, chr22:19,764,321, plus strand): 5'-ATGAAGCAAATCGTGTCCTTCGACAAGCTCAAGCTGACCAACAACCTACTGGACGACAAC[G>A]GCCACGTGAGCGACTGCCTCCCCAGGCTCCGGTGTCCCCCAAGGCCTCGAGTCCCGAGGC-3'
Protein context (NP_001366129.1, residues 226-246): KLTNNLLDDN[Gly236Ser]HIILNSMHRY

ClinVar aggregate classification (germline): Uncertain significance (1 of 4 stars; one submission).

Conditions:
DiGeorge syndrome. Also called: THIRD AND FOURTH PHARYNGEAL POUCH SYNDROME; Catch22. Identifiers: Orphanet 567, MedGen C0012236, MONDO:0008564, OMIM 188400.

Allele frequency attached by ClinVar (database versions not stated): gnomAD exomes below 0.00001; TOPMed 0.00001.
gnomAD v4.1: 4 of 1,611,668 alleles (0.00025%); highest among the groups gnomAD compares: Non-Finnish European, 0.00025%; no homozygotes.

Submission:

Labcorp Genetics (formerly Invitae), Labcorp
Classification: Uncertain significance for DiGeorge syndrome. Last evaluated: 2021-10-09. Review status: criteria provided, single submitter. Criteria: Invitae Variant Classification Sherloc (09022015). Collection method: clinical testing. Allele origin: germline.
Comment: This sequence change replaces glycine with serine at codon 227 of the TBX1 protein (p.Gly227Ser). The glycine residue is highly conserved and there is a small physicochemical difference between glycine and serine. In summary, the available evidence is currently insufficient to determine the role of this variant in disease. Therefore, it has been classified as a Variant of Uncertain Significance. Algorithms developed to predict the effect of missense changes on protein structure and function (SIFT, PolyPhen-2, Align-GVGD) all suggest that this variant is likely to be disruptive. This variant has not been reported in the literature in individuals affected with TBX1-related conditions. This variant is not present in population databases (ExAC no frequency).